The following is an entry in ClinVar:

NM_000038.6(APC):c.3340C>G (p.Arg1114Gly)

Gene: APC (APC regulator of Wnt signaling pathway; plus strand). Cytogenetic location: 5q22.2.
Variant type: single nucleotide variant.
Coding change: c.3340C>G on transcript NM_000038.6 (MANE Select); coding-DNA position 3340, C replaced by G.
Protein change: p.Arg1114Gly; replaces arginine 1114 with glycine.
Molecular consequence: missense variant. On other transcripts: non-coding transcript variant (2).
Genome position (GRCh38, 1-based): chr5:112,838,934, C>G. VCF-style: chr5-112838934-C-G. GRCh37 (hg19) VCF-style: chr5-112174631-C-G.
Other names: c.3340C>G, p.Arg1114Gly (NM_001127510.3, NM_001354895.2, NM_001407450.1); c.3286C>G, p.Arg1096Gly (NM_001127511.3); c.3394C>G, p.Arg1132Gly (NM_001354896.2, NM_001407447.1, NM_001407448.1 and 1 more transcripts); c.3370C>G, p.Arg1124Gly (NM_001354897.2); c.3265C>G, p.Arg1089Gly (NM_001354898.2); c.3256C>G, p.Arg1086Gly (NM_001354899.2); c.3217C>G, p.Arg1073Gly (NM_001354900.2); c.3163C>G, p.Arg1055Gly (NM_001354901.2, NM_001407453.1); and 11 more; short protein forms R1055G, R1073G, R1086G, R831G, R954G, R988G, R1013G, R1031G.
Identifiers: ClinVar variation 2825626 (VCV002825626.3), dbSNP rs121913331, ClinGen allele CA16028656.

ClinVar aggregate classification (germline): Uncertain significance (1 of 4 stars; one submission).

Conditions:
Familial adenomatous polyposis 1 (FAP1). Also called: POLYPOSIS, ADENOMATOUS INTESTINAL; FAMILIAL ADENOMATOUS POLYPOSIS 1, ATTENUATED. Identifiers: MedGen C2713442, MONDO:0021056, OMIM 175100. Disease mechanism: loss of function.

Submission:

Labcorp Genetics (formerly Invitae), Labcorp
Classification: Uncertain significance for Familial adenomatous polyposis 1. Last evaluated: 2023-01-06. Review status: criteria provided, single submitter. Criteria: Invitae Variant Classification Sherloc (09022015). Collection method: clinical testing. Allele origin: germline.
Comment: This sequence change replaces arginine, which is basic and polar, with glycine, which is neutral and non-polar, at codon 1114 of the APC protein (p.Arg1114Gly). This variant is not present in population databases (gnomAD no frequency). In summary, the available evidence is currently insufficient to determine the role of this variant in disease. Therefore, it has been classified as a Variant of Uncertain Significance. Advanced modeling of protein sequence and biophysical properties (such as structural, functional, and spatial information, amino acid conservation, physicochemical variation, residue mobility, and thermodynamic stability) performed at Invitae indicates that this missense variant is not expected to disrupt APC protein function. This variant has not been reported in the literature in individuals affected with APC-related conditions.